The following is an entry in ClinVar:

ClinVar aggregate classification (germline): Uncertain significance (1 of 4 stars; one submission).

Conditions:
Immunodeficiency 39 (IMD39). Identifiers: Orphanet 574918, MedGen C4225358, MONDO:0014597, OMIM 616345.

Allele frequency attached by ClinVar (database versions not stated): gnomAD 0.00001; gnomAD exomes 0.00001; TOPMed 0.00001.
gnomAD v4.1: 43 of 1,553,146 alleles (0.0028%); highest among the groups gnomAD compares: East Asian, 0.0073%; no homozygotes.

Submission:

Labcorp Genetics (formerly Invitae), Labcorp
Classification: Uncertain significance for Immunodeficiency 39. Last evaluated: 2023-12-18. Review status: criteria provided, single submitter. Criteria: Invitae Variant Classification Sherloc (09022015). Collection method: clinical testing. Allele origin: germline.
Comment: This sequence change replaces glycine, which is neutral and non-polar, with aspartic acid, which is acidic and polar, at codon 146 of the IRF7 protein (p.Gly146Asp). This variant is present in population databases (rs760842338, gnomAD 0.002%). This variant has not been reported in the literature in individuals affected with IRF7-related conditions. ClinVar contains an entry for this variant (Variation ID: 1025274). Advanced modeling of protein sequence and biophysical properties (such as structural, functional, and spatial information, amino acid conservation, physicochemical variation, residue mobility, and thermodynamic stability) performed at Invitae indicates that this missense variant is not expected to disrupt IRF7 protein function with a negative predictive value of 80%. In summary, the available evidence is currently insufficient to determine the role of this variant in disease. Therefore, it has been classified as a Variant of Uncertain Significance.

NM_001572.5(IRF7):c.398G>A (p.Gly133Asp)

Gene: IRF7 (interferon regulatory factor 7; minus strand). Cytogenetic location: 11p15.5.
Variant type: single nucleotide variant.
Coding change: c.398G>A on transcript NM_001572.5 (MANE Select); coding-DNA position 398, G replaced by A.
Protein change: p.Gly133Asp; replaces glycine 133 with aspartic acid.
Molecular consequence: missense variant.
Genome position (GRCh38, 1-based): chr11:614,531, C>T on the plus strand (G>A on the coding strand, the complement: IRF7 is on the minus strand). VCF-style: chr11-614531-C-T. GRCh37 (hg19) VCF-style: chr11-614531-C-T.
Other names: c.398G>A, p.Gly133Asp (NM_004029.4); c.437G>A, p.Gly146Asp (NM_004031.4); short protein forms G133D, G146D.
Identifiers: ClinVar variation 1025274 (VCV001025274.8), dbSNP rs760842338, ClinGen allele CA216912513.